The following is an entry in ClinVar:

NM_058216.3(RAD51C):c.674TTC[1] (p.Leu226del)

Genes: RAD51C (RAD51 paralog C; plus strand), LOC129390903 (MPRA-validated peak2919 silencer; plus strand). Cytogenetic location: 17q22.
Variant type: Microsatellite.
Coding change: c.674TTC[1] on transcript NM_058216.3 (MANE Select); one copy of the 3-base unit TTC starting at c.674; the reference has two copies in a row; one copy, 3 bases deleted.
Protein change: p.Leu226del; deletes leucine 226.
Molecular consequence: inframe deletion. On other transcripts: non-coding transcript variant (1).
Genome position (GRCh38, 1-based): chr17:58,703,301-58,703,303, TTC deleted; deleting any 3 consecutive bases within chr17:58,703,296-58,703,303 gives the same sequence; the position shown is the placement nearest the transcript's 3' end. VCF-style (leftmost placement, unchanged base first): chr17-58703295-ATCT-A. GRCh37 (hg19) VCF-style: chr17-56780656-ATCT-A.
Other names: short protein forms L226del.
Identifiers: ClinVar variation 480503 (VCV000480503.15), dbSNP rs1555597217, ClinGen allele CA658658644.

ClinVar aggregate classification (germline): Conflicting classifications of pathogenicity. Review status: criteria provided, conflicting classifications (1 of 4 stars). 3 submissions from 3 submitters: Likely pathogenic (2); Uncertain significance (1). Last evaluated 2026-03-02.

Conditions:
Hereditary cancer-predisposing syndrome. Also called: Tumor predisposition; Hereditary Cancer Syndrome; Neoplastic Syndromes, Hereditary; Hereditary neoplastic syndrome. Identifiers: Orphanet 140162, MedGen C0027672, MeSH D009386, MONDO:0015356.
Fanconi anemia complementation group O. Also called: RAD51C-Related Fanconi Anemia. Identifiers: Orphanet 84, MedGen C3150653, MONDO:0013248, OMIM 613390.
Breast-ovarian cancer, familial, susceptibility to, 3. Also called: RAD51C-Related Breast/Ovarian Cancer. Identifiers: Orphanet 145, MedGen C3150659, MONDO:0013253, OMIM 613399.

Submissions (3):

Ambry Genetics
Classification: Likely pathogenic for Hereditary cancer-predisposing syndrome. Last evaluated: 2026-03-02. Review status: criteria provided, single submitter. Criteria: Ambry Variant Classification Scheme 2023. Collection method: clinical testing. Allele origin: germline.
Comment: The c.677_679delTTC variant (also known as p.L226del) is located in coding exon 4 of the RAD51C gene. This variant results from an in-frame TTC deletion at nucleotide positions 677 to 679. This results in the in-frame deletion of a leucine at codon 226. The deleted amino acid position is highly conserved in available vertebrate species. In addition, this alteration is predicted to be deleterious by in silico analysis (Choi Y et al. PLoS ONE. 2012; 7(10):e46688). In a homology-directed DNA repair (HDR) assay, this alteration showed a functionally abnormal read-out (Olvera-Le&oacute;n R et al. Cell, 2024 Oct;187:5719-5734.e19). This variant is considered to be rare based on population cohorts in the Genome Aggregation Database (gnomAD). Based on the majority of available evidence to date, this variant is likely to be pathogenic.

Labcorp Genetics (formerly Invitae), Labcorp
Classification: Uncertain significance for Fanconi anemia complementation group O. Last evaluated: 2026-01-10. Review status: criteria provided, single submitter. Criteria: Invitae Variant Classification Sherloc (09022015). Collection method: clinical testing. Allele origin: germline.
Comment: This variant, c.677_679del, results in the deletion of 1 amino acid(s) of the RAD51C protein (p.Leu226del), but otherwise preserves the integrity of the reading frame. This variant is not present in population databases (gnomAD no frequency). This variant has not been reported in the literature in individuals affected with RAD51C-related conditions. Algorithms developed to predict the effect of variants on gene product structure and function are not available or were not evaluated for this variant. Experimental studies have shown that this variant affects RAD51C function (PMID: 39299233). In summary, the available evidence is currently insufficient to determine the role of this variant in disease. Therefore, it has been classified as a Variant of Uncertain Significance.

Myriad Genetics, Inc.
Classification: Likely pathogenic for Breast-ovarian cancer, familial, susceptibility to, 3. Last evaluated: 2024-11-25. Review status: criteria provided, single submitter. Criteria: Myriad Autosomal Dominant, Autosomal Recessive and X-Linked Classification Criteria (2023). Collection method: clinical testing. Allele origin: unknown.
Comment: This variant is considered likely pathogenic. Functional studies indicate this variant impacts protein function [PMID: 39299233]. This variant is expected to disrupt protein structure [Myriad internal data].

Literature cited by the submitters: PubMed 39299233 (cited by 3 submitters).